The following is an entry in ClinVar:

ClinVar aggregate classification (germline): Uncertain significance (1 of 4 stars; one submission).

Conditions:
Hypertrophic cardiomyopathy. Also called: HYPERTROPHIC MYOCARDIOPATHY. Identifiers: Orphanet 217569, MedGen C0007194, MeSH D002312, MONDO:0005045, HP:0001639.

Submission:

Labcorp Genetics (formerly Invitae), Labcorp
Classification: Uncertain significance for Hypertrophic cardiomyopathy. Last evaluated: 2024-08-06. Review status: criteria provided, single submitter. Criteria: Invitae Variant Classification Sherloc (09022015). Collection method: clinical testing. Allele origin: germline.
Comment: This sequence change replaces proline, which is neutral and non-polar, with threonine, which is neutral and polar, at codon 863 of the MYBPC3 protein (p.Pro863Thr). This variant is not present in population databases (gnomAD no frequency). This variant has not been reported in the literature in individuals affected with MYBPC3-related conditions. An algorithm developed to predict the effect of missense changes on protein structure and function (PolyPhen-2) suggests that this variant is likely to be disruptive. In summary, the available evidence is currently insufficient to determine the role of this variant in disease. Therefore, it has been classified as a Variant of Uncertain Significance.

NM_000256.3(MYBPC3):c.2587C>A (p.Pro863Thr)

Gene: MYBPC3 (myosin binding protein C3; minus strand). Cytogenetic location: 11p11.2.
Variant type: single nucleotide variant.
Coding change: c.2587C>A on transcript NM_000256.3 (MANE Select); coding-DNA position 2587, C replaced by A.
Protein change: p.Pro863Thr; replaces proline 863 with threonine.
Molecular consequence: missense variant.
Genome position (GRCh38, 1-based): chr11:47,337,406, G>T on the plus strand (C>A on the coding strand, the complement: MYBPC3 is on the minus strand). VCF-style: chr11-47337406-G-T. GRCh37 (hg19) VCF-style: chr11-47358957-G-T.
Other names: short protein forms P863T.
Identifiers: ClinVar variation 3699730 (VCV003699730.2).